The following is an entry in ClinVar:

ClinVar aggregate classification (germline): Uncertain significance (1 of 4 stars; one submission).

Conditions:
Immunodeficiency, common variable, 10. Also called: IMMUNODEFICIENCY, COMMON VARIABLE, WITH CENTRAL ADRENAL INSUFFICIENCY; DEFICIT IN ANTERIOR PITUITARY FUNCTION AND VARIABLE IMMUNODEFICIENCY. Identifiers: MedGen C3809991, MONDO:0014260, OMIM 615577.

gnomAD v4.1: 2 of 1,495,914 alleles (0.00013%); highest among the groups gnomAD compares: Non-Finnish European, 0.00018%; no homozygotes.

Submission:

Labcorp Genetics (formerly Invitae), Labcorp
Classification: Uncertain significance for Immunodeficiency, common variable, 10. Last evaluated: 2022-06-13. Review status: criteria provided, single submitter. Criteria: Invitae Variant Classification Sherloc (09022015). Collection method: clinical testing. Allele origin: germline.
Comment: In summary, the available evidence is currently insufficient to determine the role of this variant in disease. Therefore, it has been classified as a Variant of Uncertain Significance. Algorithms developed to predict the effect of missense changes on protein structure and function output the following: SIFT: "Tolerated"; PolyPhen-2: "Benign"; Align-GVGD: "Class C0". The threonine amino acid residue is found in multiple mammalian species, which suggests that this missense change does not adversely affect protein function. This variant has not been reported in the literature in individuals affected with NFKB2-related conditions. This variant is not present in population databases (gnomAD no frequency). This sequence change replaces alanine, which is neutral and non-polar, with threonine, which is neutral and polar, at codon 436 of the NFKB2 protein (p.Ala436Thr).

NM_001322934.2(NFKB2):c.1306G>A (p.Ala436Thr)

Genes: NFKB2 (nuclear factor kappa B subunit 2; plus strand), LOC130004599 (ATAC-STARR-seq lymphoblastoid silent region 2756; plus strand). Cytogenetic location: 10q24.32.
Variant type: single nucleotide variant.
Coding change: c.1306G>A on transcript NM_001322934.2 (MANE Select); coding-DNA position 1306, G replaced by A.
Protein change: p.Ala436Thr; replaces alanine 436 with threonine.
Molecular consequence: missense variant.
Genome position (GRCh38, 1-based): chr10:102,399,476, G>A. VCF-style: chr10-102399476-G-A. GRCh37 (hg19) VCF-style: chr10-104159233-G-A.
Other names: c.1306G>A, p.Ala436Thr (NM_001077493.1, NM_001077494.3, NM_001261403.3 and 2 more transcripts); c.1180G>A, p.Ala394Thr (NM_001322935.1); short protein forms A394T, A436T.
Identifiers: ClinVar variation 2005810 (VCV002005810.4), dbSNP rs2135435274, ClinGen allele CA377899330.
Genomic context (GRCh38, chr10:102,399,476, plus strand): 5'-TCCGGGGAGGAAGCCGCGGAGCCAAGCGCCCCCTCCAGGACCCCCCAGTGCGAGCCGCAG[G>A]CCCCGGAGATGCTGCAGCGAGGTATGGACTCCGGGGCACGGGCGGTCGGGGCGCCGGGGC-3'
Protein context (NP_001309863.1, residues 426-446): PSRTPQCEPQ[Ala436Thr]PEMLQRAREY